The following is an entry in ClinVar:

ClinVar aggregate classification (germline): Pathogenic (1 of 4 stars; one submission).

Conditions:
Inborn genetic diseases. Identifiers: MedGen C0950123, MeSH D030342.

Submission:

Ambry Genetics
Classification: Pathogenic for Inborn genetic diseases. Last evaluated: 2022-04-11. Review status: criteria provided, single submitter. Criteria: Ambry Variant Classification Scheme 2023. Collection method: clinical testing. Allele origin: germline.
Comment: The c.1150C>T (p.Q384*) alteration, located in exon 7 (coding exon 7) of the CPE gene, consists of a C to T substitution at nucleotide position 1150. This changes the amino acid from a glutamine (Q) to a stop codon at amino acid position 384. This alteration is expected to result in loss of function by premature protein truncation or nonsense-mediated mRNA decay. This variant was not reported in population-based cohorts in the Genome Aggregation Database (gnomAD). Based on the available evidence, this alteration is classified as pathogenic.

NM_001873.4(CPE):c.1150C>T (p.Gln384Ter)

Gene: CPE (carboxypeptidase E; plus strand). Cytogenetic location: 4q32.3.
Variant type: single nucleotide variant.
Coding change: c.1150C>T on transcript NM_001873.4 (MANE Select); coding-DNA position 1150, C replaced by T.
Protein change: p.Gln384Ter; replaces glutamine 384 with a stop codon.
Molecular consequence: nonsense.
Genome position (GRCh38, 1-based): chr4:165,493,207, C>T. VCF-style: chr4-165493207-C-T. GRCh37 (hg19) VCF-style: chr4-166414359-C-T.
Other names: short protein forms Q384*.
Identifiers: ClinVar variation 2281765 (VCV002281765.2), dbSNP rs2478233648, ClinGen allele CA358690488.